The following is an entry in ClinVar:

NM_001370466.1(NOD2):c.725C>T (p.Pro242Leu)

Gene: NOD2 (nucleotide binding oligomerization domain containing 2; plus strand). Cytogenetic location: 16q12.1.
Variant type: single nucleotide variant.
Coding change: c.725C>T on transcript NM_001370466.1 (MANE Select); coding-DNA position 725, C replaced by T.
Protein change: p.Pro242Leu; replaces proline 242 with leucine.
Molecular consequence: missense variant. On other transcripts: non-coding transcript variant (1).
Genome position (GRCh38, 1-based): chr16:50,710,717, C>T. VCF-style: chr16-50710717-C-T. GRCh37 (hg19) VCF-style: chr16-50744628-C-T.
Other names: c.725C>T, p.Pro242Leu (NM_001293557.2); c.806C>T, p.Pro269Leu (NM_022162.3); short protein forms P242L, P269L.
Identifiers: ClinVar variation 2145203 (VCV002145203.7), dbSNP rs774703072, ClinGen allele CA8051399.

ClinVar aggregate classification (germline): Conflicting classifications of pathogenicity. Review status: criteria provided, conflicting classifications (1 of 4 stars). 4 submissions from 4 submitters: Uncertain significance (2); Likely benign (2). Last evaluated 2026-01-23.

Conditions:
Blau syndrome (BLAUS). Also called: GRANULOMATOSIS, FAMILIAL JUVENILE SYSTEMIC; GRANULOMATOSIS, FAMILIAL, BLAU TYPE; GRANULOMATOUS INFLAMMATORY ARTHRITIS, DERMATITIS, AND UVEITIS, FAMILIAL; JABS SYNDROME; ARTHROCUTANEOUVEAL GRANULOMATOSIS. Identifiers: Orphanet 90340, MedGen C5201146, MONDO:0008523, OMIM 186580.
Regional enteritis. Also called: Enteritis, Granulomatous. Identifiers: MedGen C0678202, MeSH D003424.
Inborn genetic diseases. Identifiers: MedGen C0950123, MeSH D030342.

Allele frequency attached by ClinVar (database versions not stated): ExAC 0.00002; gnomAD exomes 0.00002; gnomAD 0.00003; TOPMed 0.00004.
gnomAD v4.1: 37 of 1,613,668 alleles (0.0023%); highest among the groups gnomAD compares: East Asian, 0.0089%; no homozygotes.

Submissions (4):

Labcorp Genetics (formerly Invitae), Labcorp
Classification: Uncertain significance for Regional enteritis; Blau syndrome. Last evaluated: 2026-01-23. Review status: criteria provided, single submitter. Criteria: Invitae Variant Classification Sherloc (09022015). Collection method: clinical testing. Allele origin: germline.
Comment: This sequence change replaces proline, which is neutral and non-polar, with leucine, which is neutral and non-polar, at codon 269 of the NOD2 protein (p.Pro269Leu). This variant is present in population databases (rs774703072, gnomAD 0.007%). This variant has not been reported in the literature in individuals affected with NOD2-related conditions. ClinVar contains an entry for this variant (Variation ID: 2145203). Invitae Evidence Modeling of protein sequence and biophysical properties (such as structural, functional, and spatial information, amino acid conservation, physicochemical variation, residue mobility, and thermodynamic stability) indicates that this missense variant is not expected to disrupt NOD2 protein function with a negative predictive value of 95%. In summary, the available evidence is currently insufficient to determine the role of this variant in disease. Therefore, it has been classified as a Variant of Uncertain Significance.

ARUP Laboratories, Molecular Genetics and Genomics, ARUP Laboratories
Classification: Uncertain significance. Last evaluated: 2025-07-07. Review status: criteria provided, single submitter. Criteria: ARUP Molecular Germline Variant Investigation Process 2024. Collection method: clinical testing. Allele origin: germline.
Comment: The NOD2 c.806C>T; p.Pro269Leu variant (rs774703072), to our knowledge, is not reported in the medical literature but is reported in ClinVar (Variation ID: 2145203). This variant is found in the general population with an overall allele frequency of 0.02% (6/250,440 alleles) in the Genome Aggregation Database (v2.1.1). Computational analyses predict that this variant is neutral (REVEL: 0.058). Due to limited information, the clinical significance of this variant is uncertain at this time.

Ambry Genetics
Classification: Likely benign for Inborn genetic diseases. Last evaluated: 2024-08-12. Review status: criteria provided, single submitter. Criteria: Ambry Variant Classification Scheme 2023. Collection method: clinical testing. Allele origin: germline.

Blueprint Genetics
Classification: Likely benign. Last evaluated: 2022-11-09. Review status: criteria provided, single submitter. Criteria: ACMG Guidelines, 2015. Collection method: clinical testing. Allele origin: germline.